The following is an entry in ClinVar:

GRCh38/hg38 2q31.2(chr2:177826028-177952387)x1

Genes: PDE11A (phosphodiesterase 11A; minus strand), LOC112806062 (Sharpr-MPRA regulatory region 7527; plus strand), LOC132088804 (Neanderthal introgressed variant-containing enhancer experimental_56479; plus strand). Cytogenetic location: 2q31.2.
Variant type: copy number loss.
Change: copy number 1 (one copy instead of two) of chr2:177,826,028-177,952,387 (126.4 kb, GRCh38 coordinates, 1-based), cytogenetic band 2q31.2.
Identifiers: ClinVar variation 4796238 (VCV004796238.1).

ClinVar aggregate classification (germline): Uncertain significance (1 of 4 stars; one submission).

Submission:

Medical Genetic Center, Changzhi Maternal and Child Health Care Hospital
Classification: Uncertain significance. Last evaluated: 2025-12-10. Review status: criteria provided, single submitter. Criteria: ACMG/ClinGen CNV Guidelines, 2019. Collection method: clinical testing. Allele origin: unknown.
Comment: 1A, PDE11A partial deletion (NM_016953.4, exon 3-6)